The following is an entry in ClinVar:

NM_000390.4(CHM):c.1348dup (p.Arg450fs)

Gene: CHM (CHM Rab escort protein; minus strand). Cytogenetic location: Xq21.2.
Variant type: Duplication.
Coding change: c.1348dup on transcript NM_000390.4 (MANE Select); coding-DNA position 1348, one base duplicated (A; older notation c.1348dupA).
Protein change: p.Arg450fs; shifts the reading frame from arginine 450.
Molecular consequence: frameshift variant.
Genome position (GRCh38, 1-based): chrX:85,901,085, T duplicated on the plus strand (A on the coding strand, the reverse complement: CHM is on the minus strand). VCF-style (leftmost placement, unchanged base first): chrX-85901084-C-CT. GRCh37 (hg19) VCF-style: chrX-85156089-C-CT.
Other names: c.904dup, p.Arg302fs (NM_001320959.1, NM_001362517.1, NM_001362518.2 and 1 more transcripts); short protein forms R302fs, R450fs.
Identifiers: ClinVar variation 4728087 (VCV004728087.1).

ClinVar aggregate classification (germline): Pathogenic (1 of 4 stars; one submission).

Submission:

Labcorp Genetics (formerly Invitae), Labcorp
Classification: Pathogenic. Last evaluated: 2025-09-29. Review status: criteria provided, single submitter. Criteria: Invitae Variant Classification Sherloc (09022015). Collection method: clinical testing. Allele origin: germline.
Comment: This sequence change creates a premature translational stop signal (p.Arg450Lysfs*12) in the CHM gene. It is expected to result in an absent or disrupted protein product. Loss-of-function variants in CHM are known to be pathogenic (PMID: 9067750, 23811034). This variant is not present in population databases (gnomAD no frequency). This variant has not been reported in the literature in individuals affected with CHM-related conditions. For these reasons, this variant has been classified as Pathogenic.

Literature cited by the submitters: PubMed 9067750; PubMed 23811034.